The following is an entry in ClinVar:

ClinVar aggregate classification (germline): Uncertain significance. Review status: criteria provided, multiple submitters, no conflicts (2 of 4 stars). 4 submissions from 4 submitters: Uncertain significance (4). Last evaluated 2025-01-13.

Conditions:
Myopathy, myofibrillar, 9, with early respiratory failure (MFM9). Also called: Hereditary myopathy with early respiratory failure; EDSTROM MYOPATHY; MYOPATHY, PROXIMAL, WITH EARLY RESPIRATORY MUSCLE INVOLVEMENT; Myopathy, distal, with early respiratory failure, autosomal dominant. Identifiers: Orphanet 178464, Orphanet 34521, MedGen C1863599, MONDO:0011362, OMIM 603689.
Hypertrophic cardiomyopathy 9. Also called: Familial hypertrophic cardiomyopathy 9. Identifiers: MedGen C1861065, MONDO:0013412, OMIM 613765.
Autosomal recessive limb-girdle muscular dystrophy type 2J (LGMDR10). Also called: Limb-girdle muscular dystrophy, type 2J; MUSCULAR DYSTROPHY, LIMB-GIRDLE, AUTOSOMAL RECESSIVE 10. Identifiers: Orphanet 140922, MedGen C1837342, MONDO:0012127, OMIM 608807.
Early-onset myopathy with fatal cardiomyopathy (CMYO5). Also called: Salih Myopathy; CONGENITAL MYOPATHY 5 WITH CARDIOMYOPATHY. Identifiers: Orphanet 289377, MedGen C2673677, MONDO:0012714, OMIM 611705. Disease mechanism: loss of function.
Tibial muscular dystrophy (TMD). Also called: Tibial muscular dystrophy, tardive; Udd Distal Myopathy – Tibial Muscular Dystrophy; UDD MYOPATHY. Identifiers: Orphanet 609, MedGen C1838244, MONDO:0010870, OMIM 600334.
Dilated cardiomyopathy 1G (CMD1G). Identifiers: Orphanet 154, MedGen C1858763, MONDO:0011400, OMIM 604145.

Allele frequency attached by ClinVar (database versions not stated): gnomAD 0.00001; TOPMed 0.00001; ExAC 0.00002; gnomAD exomes 0.00002.
gnomAD v4.1: 37 of 1,613,546 alleles (0.0023%); highest among the groups gnomAD compares: Non-Finnish European, 0.0017%; no homozygotes.

Submissions (4):

GeneDx
Classification: Uncertain significance. Last evaluated: 2025-01-13. Review status: criteria provided, single submitter. Criteria: GeneDx Variant Classification Process June 2021. Collection method: clinical testing. Allele origin: germline. Affected: yes.
Comment: Not observed at significant frequency in large population cohorts (gnomAD); Missense variant in a gene in which most reported pathogenic variants are truncating/loss of function; Has not been previously published as pathogenic or benign to our knowledge

Revvity Omics, Revvity
Classification: Uncertain significance. Last evaluated: 2024-07-17. Review status: criteria provided, single submitter. Criteria: ACMG Guidelines, 2015. Collection method: clinical testing. Allele origin: germline.

Blueprint Genetics
Classification: Uncertain significance. Last evaluated: 2024-03-11. Review status: criteria provided, single submitter. Criteria: ACMG Guidelines, 2015. Collection method: clinical testing. Allele origin: germline.

Fulgent Genetics
Classification: Uncertain significance for Tibial muscular dystrophy; Myopathy, myofibrillar, 9, with early respiratory failure; Dilated cardiomyopathy 1G; Autosomal recessive limb-girdle muscular dystrophy type 2J; Early-onset myopathy with fatal cardiomyopathy; Hypertrophic cardiomyopathy 9. Last evaluated: 2021-08-04. Review status: criteria provided, single submitter. Criteria: ACMG Guidelines, 2015. Collection method: clinical testing. Allele origin: unknown.

NM_001267550.2(TTN):c.23747C>G (p.Pro7916Arg)

Gene: TTN (titin; minus strand). Cytogenetic location: 2q31.2.
Variant type: single nucleotide variant.
Coding change: c.23747C>G on transcript NM_001267550.2 (MANE Select); coding-DNA position 23747, C replaced by G.
Protein change: p.Pro7916Arg; replaces proline 7916 with arginine.
Molecular consequence: missense variant. On other transcripts: intron variant (3).
Genome position (GRCh38, 1-based): chr2:178,719,745, G>C on the plus strand (C>G on the coding strand, the complement: TTN is on the minus strand). VCF-style: chr2-178719745-G-C. GRCh37 (hg19) VCF-style: chr2-179584472-G-C.
Other names: p.P7599R:CCA>CGA; c.22796C>G, p.Pro7599Arg (NM_001256850.1); c.20015C>G, p.Pro6672Arg (NM_133378.4); c.13282+18337C>G (NM_003319.4); c.13858+18337C>G (NM_133437.4); c.13657+18337C>G (NM_133432.3); c.23747C>G (NM_001267550.1); short protein forms P7599R, P7916R, P6672R.
Identifiers: ClinVar variation 203326 (VCV000203326.6), dbSNP rs764130233, ClinGen allele CA312046.
Genomic context (GRCh38, chr2:178,719,745, plus strand): 5'-TGATGTTTGCTGTCTGCAGACAATTCTCTTCCATCTTTGAACCACTTGGCTGAGAGTTCT[G>C]GTGTTCCAGTCACTACACACTCTAATGCAAAAGGATTTCCAGTAGTGACAGTCATGGGTT-3'
Protein context (NP_001254479.2, residues 7906-7926): FALECVVTGT[Pro7916Arg]ELSAKWFKDG